The following is an entry in ClinVar:

NM_001278512.2(AP3B2):c.160A>G (p.Lys54Glu)

Genes: CPEB1-AS1 (CPEB1 antisense RNA 1; plus strand), AP3B2 (adaptor related protein complex 3 subunit beta 2; minus strand). Cytogenetic location: 15q25.2.
Variant type: single nucleotide variant.
Coding change: c.160A>G on transcript NM_001278512.2 (MANE Select); coding-DNA position 160, A replaced by G.
Protein change: p.Lys54Glu; replaces lysine 54 with glutamic acid.
Molecular consequence: missense variant.
Genome position (GRCh38, 1-based): chr15:82,689,407, T>C on the plus strand (A>G on the coding strand, the complement: AP3B2 is on the minus strand). VCF-style: chr15-82689407-T-C. GRCh37 (hg19) VCF-style: chr15-83358159-T-C.
Other names: c.160A>G, p.Lys54Glu (NM_001278511.2, NM_001348440.2, NM_004644.5); short protein forms K54E.
Identifiers: ClinVar variation 1487063 (VCV001487063.8), dbSNP rs2151449493, ClinGen allele CA393302152.

ClinVar aggregate classification (germline): Uncertain significance (1 of 4 stars; one submission).

Submission:

Labcorp Genetics (formerly Invitae), Labcorp
Classification: Uncertain significance. Last evaluated: 2023-08-04. Review status: criteria provided, single submitter. Criteria: Invitae Variant Classification Sherloc (09022015). Collection method: clinical testing. Allele origin: germline.
Comment: This sequence change replaces lysine, which is basic and polar, with glutamic acid, which is acidic and polar, at codon 54 of the AP3B2 protein (p.Lys54Glu). This variant is not present in population databases (gnomAD no frequency). This variant has not been reported in the literature in individuals affected with AP3B2-related conditions. ClinVar contains an entry for this variant (Variation ID: 1487063). An algorithm developed to predict the effect of missense changes on protein structure and function (PolyPhen-2) suggests that this variant is likely to be disruptive. In summary, the available evidence is currently insufficient to determine the role of this variant in disease. Therefore, it has been classified as a Variant of Uncertain Significance.